The following is an entry in ClinVar:

NM_000069.3(CACNA1S):c.1231A>G (p.Ile411Val)

Gene: CACNA1S (calcium voltage-gated channel subunit alpha1 S; minus strand). Cytogenetic location: 1q32.1.
Variant type: single nucleotide variant.
Coding change: c.1231A>G on transcript NM_000069.3 (MANE Select); coding-DNA position 1231, A replaced by G.
Protein change: p.Ile411Val; replaces isoleucine 411 with valine.
Molecular consequence: missense variant.
Genome position (GRCh38, 1-based): chr1:201,084,951, T>C on the plus strand (A>G on the coding strand, the complement: CACNA1S is on the minus strand). VCF-style: chr1-201084951-T-C. GRCh37 (hg19) VCF-style: chr1-201054079-T-C.
Other names: short protein forms I411V.
Identifiers: ClinVar variation 4757168 (VCV004757168.1).

ClinVar aggregate classification (germline): Uncertain significance (1 of 4 stars; one submission).

Conditions:
Malignant hyperthermia, susceptibility to, 5 (MHS5). Also called: CACNA1S-Related Malignant Hyperthermia Susceptibility. Identifiers: Orphanet 423, MedGen C1866077, MONDO:0011163, OMIM 601887.

Submission:

Color Diagnostics, LLC DBA Color Health
Classification: Uncertain significance for Malignant hyperthermia, susceptibility to, 5. Last evaluated: 2025-06-23. Review status: criteria provided, single submitter. Criteria: ACMG Guidelines, 2015. Collection method: clinical testing. Allele origin: germline.
Comment: This missense variant replaces isoleucine with valine at codon 411 of the CACNA1S protein. Computational prediction suggests that this variant may not impact protein structure and function. To our knowledge, functional studies have not been reported for this variant. This variant has not been reported in individuals affected with CACNA1S-related disorders in the literature. This variant has not been identified in the general population by the Genome Aggregation Database (gnomAD). The available evidence is insufficient to determine the role of this variant in disease conclusively. Therefore, this variant is classified as a Variant of Uncertain Significance.